The following is an entry in ClinVar:

NM_002693.3(POLG):c.3213dup (p.Thr1072fs)

Gene: POLG (DNA polymerase gamma, catalytic subunit; minus strand). Cytogenetic location: 15q26.1.
Variant type: Duplication.
Coding change: c.3213dup on transcript NM_002693.3 (MANE Select); coding-DNA position 3213, one base duplicated (T; older notation c.3213dupT).
Protein change: p.Thr1072fs; shifts the reading frame from threonine 1072.
Molecular consequence: frameshift variant.
Genome position (GRCh38, 1-based): chr15:89,318,991, A duplicated on the plus strand (T on the coding strand, the reverse complement: POLG is on the minus strand). VCF-style (leftmost placement, unchanged base first): chr15-89318990-T-TA. GRCh37 (hg19) VCF-style: chr15-89862221-T-TA.
Other names: c.3213dup, p.Thr1072fs (NM_001126131.2); short protein forms T1072fs.
Identifiers: ClinVar variation 5005477 (VCV005005477.2).

ClinVar aggregate classification (germline): Likely pathogenic (1 of 4 stars; one submission).

Conditions:
Sensory ataxic neuropathy, dysarthria, and ophthalmoparesis (SANDO). Also called: SENSORY ATAXIC NEUROPATHY WITH MITOCHONDRIAL DNA DELETIONS, AUTOSOMAL RECESSIVE; Epilepsy, progressive myoclonic, type 5; Ataxia Neuropathy Spectrum (ANS); Sensory ataxic neuropathy-dysarthria-ophthalmoparesis syndrome. Identifiers: Orphanet 70595, MedGen C1843851, MONDO:0011835, OMIM 607459.
Progressive external ophthalmoplegia with mitochondrial DNA deletions, autosomal dominant 1 (PEOA1). Also called: Autosomal Dominant Progressive External Ophthalmoplegia (adPEO); PROGRESSIVE EXTERNAL OPHTHALMOPLEGIA, AUTOSOMAL DOMINANT 1. Identifiers: MedGen C1834846, MONDO:0024528, OMIM 157640.
Progressive external ophthalmoplegia with mitochondrial DNA deletions, autosomal recessive 1 (PEOB1). Also called: Autosomal Recessive Progressive External Ophthalmoplegia (arPEO); Progressive external ophthalmoplegia, autosomal recessive 1. Identifiers: Orphanet 254886, MedGen C4225153, MONDO:0009783, OMIM 258450.
Mitochondrial DNA depletion syndrome 4b. Also called: Mitochondrial Neurogastrointestinal Encephalopathy Disease, POLG-Related; MNGIE, POLG-RELATED. Identifiers: Orphanet 298, MedGen C3150914, MONDO:0013350, OMIM 613662.
Progressive sclerosing poliodystrophy (MTDPS4A). Also called: ALPERS PROGRESSIVE INFANTILE POLIODYSTROPHY; Mitochondrial DNA Depletion Syndrome 4A; Alpers Syndrome; Mitochondrial DNA depletion syndrome 4A (Alpers type); NEURONAL DEGENERATION OF CHILDHOOD WITH LIVER DISEASE, PROGRESSIVE; ALPERS DIFFUSE DEGENERATION OF CEREBRAL GRAY MATTER WITH HEPATIC CIRRHOSIS. Identifiers: Orphanet 726, MedGen C0205710, MONDO:0008758, OMIM 203700.

Submission:

Juno Genomics, Hangzhou Juno Genomics, Inc
Classification: Likely pathogenic for Progressive sclerosing poliodystrophy; Sensory ataxic neuropathy, dysarthria, and ophthalmoparesis; Mitochondrial DNA depletion syndrome 4b; Progressive external ophthalmoplegia with mitochondrial DNA deletions, autosomal dominant 1; Progressive external ophthalmoplegia with mitochondrial DNA deletions, autosomal recessive 1. Review status: criteria provided, single submitter. Criteria: ACMG Guidelines, 2015. Collection method: clinical testing. Allele origin: germline.
Comment: Null variant in a gene where loss of function (LOF) is a known mechanism of disease.;Absent from controls (or at extremely low frequency if recessive) in Genome Aggregation Database.